The following is an entry in ClinVar:

NM_173495.3(PTCHD1):c.1504C>G (p.Pro502Ala)

Gene: PTCHD1 (patched domain containing 1; plus strand). Cytogenetic location: Xp22.11.
Variant type: single nucleotide variant.
Coding change: c.1504C>G on transcript NM_173495.3 (MANE Select); coding-DNA position 1504, C replaced by G.
Protein change: p.Pro502Ala; replaces proline 502 with alanine.
Molecular consequence: missense variant.
Genome position (GRCh38, 1-based): chrX:23,393,022, C>G. VCF-style: chrX-23393022-C-G. GRCh37 (hg19) VCF-style: chrX-23411139-C-G.
Other names: short protein forms P502A.
Identifiers: ClinVar variation 5009636 (VCV005009636.1).
Genomic context (GRCh38, chrX:23,393,022, plus strand): 5'-CTATTGGTATGTTTCCTCAAACGCTATTACTGTGACTGGATAACCAACACCTATGTCAAG[C>G]CTTTTGTAGTTCTCTTTTACCTTATTTATATTTCCTTTGCCTTAATGGGCTATCTGCAGG-3'
Protein context (NP_775766.2, residues 492-512): CDWITNTYVK[Pro502Ala]FVVLFYLIYI

ClinVar aggregate classification (germline): Uncertain significance (1 of 4 stars; one submission).

Submission:

GeneDx
Classification: Uncertain significance. Last evaluated: 2026-02-17. Review status: criteria provided, single submitter. Criteria: GeneDx Variant Classification Process June 2021. Collection method: clinical testing. Allele origin: germline.
Comment: Not observed at significant frequency in large population cohorts (gnomAD); In silico analysis suggests that this missense variant does not alter protein structure/function; Has not been previously published as pathogenic or benign to our knowledge